The following is an entry in ClinVar:

NM_001999.4(FBN2):c.8253C>T (p.Val2751=)

Gene: FBN2 (fibrillin 2; minus strand). Cytogenetic location: 5q23.3.
Variant type: single nucleotide variant.
Coding change: c.8253C>T on transcript NM_001999.4 (MANE Select); coding-DNA position 8253, C replaced by T.
Protein change: p.Val2751=; no amino-acid change (valine 2751 retained).
Molecular consequence: synonymous variant.
Genome position (GRCh38, 1-based): chr5:128,261,847, G>A on the plus strand (C>T on the coding strand, the complement: FBN2 is on the minus strand). VCF-style: chr5-128261847-G-A. GRCh37 (hg19) VCF-style: chr5-127597539-G-A.
Identifiers: ClinVar variation 519858 (VCV000519858.18), dbSNP rs140631421, ClinGen allele CA3393866.

ClinVar aggregate classification (germline): Likely benign. Review status: criteria provided, multiple submitters, no conflicts (2 of 4 stars). 5 submissions from 5 submitters: Likely benign (4). 1 of the submissions does not count toward it. Last evaluated 2026-01-12.

Conditions:
FBN2-related disorder. Also called: FBN2-related condition.
Familial thoracic aortic aneurysm and aortic dissection (TAAD). Also called: Thoracic aortic aneurysms and dissections. Identifiers: Orphanet 91387, MedGen C4707243, MONDO:0019625.
Congenital contractural arachnodactyly (CCA). Also called: BEALS SYNDROME; Beals-Hecht syndrome; Arthrogryposis, distal, type 9. Identifiers: Orphanet 115, MedGen C0220668, MONDO:0007363, OMIM 121050.

Allele frequency attached by ClinVar (database versions not stated): TOPMed 0.00002; gnomAD 0.00003; ExAC 0.00005; gnomAD exomes 0.00005; ESP Exome Variant Server 0.00008.
gnomAD v4.1: 85 of 1,613,776 alleles (0.0053%); highest among the groups gnomAD compares: Non-Finnish European, 0.0067%; no homozygotes.

Submissions (5):

Labcorp Genetics (formerly Invitae), Labcorp
Classification: Likely benign for Congenital contractural arachnodactyly. Last evaluated: 2026-01-12. Review status: criteria provided, single submitter. Criteria: Invitae Variant Classification Sherloc (09022015). Collection method: clinical testing. Allele origin: germline.

Blueprint Genetics
Classification: Likely benign. Last evaluated: 2024-06-06. Review status: criteria provided, single submitter. Criteria: ACMG Guidelines, 2015. Collection method: clinical testing. Allele origin: germline.

GeneDx
Classification: Likely benign. Last evaluated: 2018-04-04. Review status: criteria provided, single submitter. Criteria: GeneDx Variant Classification (06012015). Collection method: clinical testing. Allele origin: germline. Affected: yes.
Comment: This variant is considered likely benign or benign based on one or more of the following criteria: it is a conservative change, it occurs at a poorly conserved position in the protein, it is predicted to be benign by multiple in silico algorithms, and/or has population frequency not consistent with disease.

Ambry Genetics
Classification: Likely benign for Familial thoracic aortic aneurysm and aortic dissection. Last evaluated: 2017-06-09. Review status: criteria provided, single submitter. Criteria: Ambry Variant Classification Scheme 2023. Collection method: clinical testing. Allele origin: germline.

PreventionGenetics, part of Exact Sciences
Classification: Likely benign for FBN2-related condition. Last evaluated: 2019-08-26. Review status: no assertion criteria provided. Collection method: clinical testing. Allele origin: germline. Not counted in ClinVar's aggregate classification.
Comment: This variant is classified as likely benign based on ACMG/AMP sequence variant interpretation guidelines (Richards et al. 2015 PMID: 25741868, with internal and published modifications).